The following is an entry in ClinVar:

NM_182931.3(KMT2E):c.5034C>T (p.Pro1678=)

Gene: KMT2E (lysine methyltransferase 2E (inactive); plus strand). Cytogenetic location: 7q22.3.
Variant type: single nucleotide variant.
Coding change: c.5034C>T on transcript NM_182931.3 (MANE Select); coding-DNA position 5034, C replaced by T.
Protein change: p.Pro1678=; no amino-acid change (proline 1678 retained).
Molecular consequence: synonymous variant.
Genome position (GRCh38, 1-based): chr7:105,112,790, C>T. VCF-style: chr7-105112790-C-T. GRCh37 (hg19) VCF-style: chr7-104753237-C-T.
Other names: c.5034C>T, p.Pro1678= (NM_018682.4); c.5034C>T (NM_182931.2).
Identifiers: ClinVar variation 1597335 (VCV001597335.11), dbSNP rs140014560, ClinGen allele CA4424889.

ClinVar aggregate classification (germline): Likely benign. Review status: criteria provided, multiple submitters, no conflicts (2 of 4 stars). 3 submissions from 3 submitters: Likely benign (2). 1 of the submissions does not count toward it. Last evaluated 2025-06-11.

Conditions:
KMT2E-related disorder. Also called: KMT2E-related condition.

Allele frequency attached by ClinVar (database versions not stated): ESP Exome Variant Server 0.00008; ExAC 0.00013; gnomAD 0.00023 and 0.00024.
gnomAD v4.1: 433 of 1,573,076 alleles (0.028%); highest among the groups gnomAD compares: Non-Finnish European, 0.034%; no homozygotes.

Submissions (3):

Labcorp Genetics (formerly Invitae), Labcorp
Classification: Likely benign. Last evaluated: 2025-06-11. Review status: criteria provided, single submitter. Criteria: Invitae Variant Classification Sherloc (09022015). Collection method: clinical testing. Allele origin: germline.

Blueprint Genetics
Classification: Likely benign. Last evaluated: 2024-07-08. Review status: criteria provided, single submitter. Criteria: ACMG Guidelines, 2015. Collection method: clinical testing. Allele origin: germline.

PreventionGenetics, part of Exact Sciences
Classification: Likely benign for KMT2E-related condition. Last evaluated: 2019-05-24. Review status: no assertion criteria provided. Collection method: clinical testing. Allele origin: germline. Not counted in ClinVar's aggregate classification.
Comment: This variant is classified as likely benign based on ACMG/AMP sequence variant interpretation guidelines (Richards et al. 2015 PMID: 25741868, with internal and published modifications).